The following is an entry in ClinVar:

NM_017654.4(SAMD9):c.4698C>G (p.Ser1566Arg)

Gene: SAMD9 (sterile alpha motif domain containing 9; minus strand). Cytogenetic location: 7q21.2.
Variant type: single nucleotide variant.
Coding change: c.4698C>G on transcript NM_017654.4 (MANE Select); coding-DNA position 4698, C replaced by G.
Protein change: p.Ser1566Arg; replaces serine 1566 with arginine.
Molecular consequence: missense variant.
Genome position (GRCh38, 1-based): chr7:93,101,400, G>C on the plus strand (C>G on the coding strand, the complement: SAMD9 is on the minus strand). VCF-style: chr7-93101400-G-C. GRCh37 (hg19) VCF-style: chr7-92730713-G-C.
Other names: c.4698C>G, p.Ser1566Arg (NM_001193307.2); short protein forms S1566R.
Identifiers: ClinVar variation 4827012 (VCV004827012.1).

ClinVar aggregate classification (germline): Uncertain significance (1 of 4 stars; one submission).

Conditions:
Inborn genetic diseases. Identifiers: MedGen C0950123, MeSH D030342.

gnomAD v4.1: 2 of 1,613,758 alleles (0.00012%); highest among the groups gnomAD compares: Non-Finnish European, 0.00017%; no homozygotes.

Submission:

Ambry Genetics
Classification: Uncertain significance for Inborn genetic diseases. Last evaluated: 2026-02-28. Review status: criteria provided, single submitter. Criteria: Ambry Variant Classification Scheme 2023. Collection method: clinical testing. Allele origin: germline.
Comment: The p.S1566R variant (also known as c.4698C>G), located in coding exon 1 of the SAMD9 gene, results from a C to G substitution at nucleotide position 4698. The serine at codon 1566 is replaced by arginine, an amino acid with dissimilar properties. This amino acid position is conserved. In addition, this alteration is predicted to be tolerated by in silico analysis. Based on the available evidence, the clinical significance of this variant remains unclear.